The following is an entry in ClinVar:

NM_005633.4(SOS1):c.*2574A>G

Gene: SOS1 (SOS Ras/Rac guanine nucleotide exchange factor 1; minus strand). Cytogenetic location: 2p22.1.
Variant type: single nucleotide variant.
Coding change: c.*2574A>G on transcript NM_005633.4 (MANE Select); 2574 bases downstream of the stop codon, A replaced by G.
Molecular consequence: 3 prime UTR variant.
Genome position (GRCh38, 1-based): chr2:38,983,250, T>C on the plus strand (A>G on the coding strand, the complement: SOS1 is on the minus strand). VCF-style: chr2-38983250-T-C. GRCh37 (hg19) VCF-style: chr2-39210391-T-C.
Other names: c.*2574A>G (NM_001382394.1, NM_001382395.1).
Identifiers: ClinVar variation 897480 (VCV000897480.4), dbSNP rs539933930, ClinGen allele CA45671346.

ClinVar aggregate classification (germline): Benign/Likely benign. Review status: criteria provided, single submitter (1 of 4 stars). 2 submissions from 1 submitter: Benign (1); Likely benign (1). Last evaluated 2018-01-13.

Conditions:
Noonan syndrome 4 (NS4). Also called: NOONAN SYNDROME WITH PIGMENTED VILLONODULAR SYNOVITIS; SOS1-Related Noonan Syndrome. Identifiers: Orphanet 648, MedGen C1853120, MONDO:0012547, OMIM 610733.
Fibromatosis, gingival, 1 (GINGF1). Identifiers: Orphanet 2024, MedGen C4551558, MONDO:0007609, OMIM 135300.

Allele frequency attached by ClinVar (database versions not stated): 1000 Genomes Project 30x 0.00047; TOPMed 0.00049; 1000 Genomes Project 0.00060.

Submissions (2):

Illumina Laboratory Services, Illumina
Classification: Benign for Fibromatosis, gingival, 1. Last evaluated: 2018-01-13. Review status: criteria provided, single submitter. Criteria: ICSL Variant Classification Criteria 13 December 2019. Collection method: clinical testing. Allele origin: germline.
Comment: This variant was observed in the ICSL laboratory as part of a predisposition screen in an ostensibly healthy population. It had not been previously curated by ICSL or reported in the Human Gene Mutation Database (HGMD: prior to June 1st, 2018), and was therefore a candidate for classification through an automated scoring system. Utilizing variant allele frequency, disease prevalence and penetrance estimates, and inheritance mode, an automated score was calculated to assess if this variant is too frequent to cause the disease. Based on the score and internal cut-off values, a variant classified as benign is not then subjected to further curation. The score for this variant resulted in a classification of benign for this disease.

Illumina Laboratory Services, Illumina
Classification: Likely benign for Noonan syndrome 4. Last evaluated: 2018-01-13. Review status: criteria provided, single submitter. Criteria: ICSL Variant Classification Criteria 13 December 2019. Collection method: clinical testing. Allele origin: germline.
Comment: This variant was observed in the ICSL laboratory as part of a predisposition screen in an ostensibly healthy population. It had not been previously curated by ICSL or reported in the Human Gene Mutation Database (HGMD: prior to June 1st, 2018), and was therefore a candidate for classification through an automated scoring system. Utilizing variant allele frequency, disease prevalence and penetrance estimates, and inheritance mode, an automated score was calculated to assess if this variant is too frequent to cause the disease. Based on the score and internal cut-off values, a variant classified as likely benign is not then subjected to further curation. The score for this variant resulted in a classification of likely benign for this disease.